The following is an entry in ClinVar:

ClinVar aggregate classification (germline): Uncertain significance (1 of 4 stars; one submission).

Conditions:
Bethlem myopathy 1A. Also called: MYOPATHY, BENIGN CONGENITAL, WITH CONTRACTURES; Bethlem myopathy 1; Bethlem Muscular Dystrophy. Identifiers: Orphanet 610, MedGen CN029274, MONDO:0024530, OMIM 158810.

Submission:

Labcorp Genetics (formerly Invitae), Labcorp
Classification: Uncertain significance for Bethlem myopathy 1A. Last evaluated: 2024-11-12. Review status: criteria provided, single submitter. Criteria: Invitae Variant Classification Sherloc (09022015). Collection method: clinical testing. Allele origin: germline.
Comment: This sequence change replaces phenylalanine, which is neutral and non-polar, with leucine, which is neutral and non-polar, at codon 1080 of the COL6A3 protein (p.Phe1080Leu). This variant is not present in population databases (gnomAD no frequency). This variant has not been reported in the literature in individuals affected with COL6A3-related conditions. Invitae Evidence Modeling of protein sequence and biophysical properties (such as structural, functional, and spatial information, amino acid conservation, physicochemical variation, residue mobility, and thermodynamic stability) indicates that this missense variant is not expected to disrupt COL6A3 protein function with a negative predictive value of 80%. In summary, the available evidence is currently insufficient to determine the role of this variant in disease. Therefore, it has been classified as a Variant of Uncertain Significance.

NM_004369.4(COL6A3):c.3240C>G (p.Phe1080Leu)

Gene: COL6A3 (collagen type VI alpha 3 chain; minus strand). Cytogenetic location: 2q37.3.
Variant type: single nucleotide variant.
Coding change: c.3240C>G on transcript NM_004369.4 (MANE Select); coding-DNA position 3240, C replaced by G.
Protein change: p.Phe1080Leu; replaces phenylalanine 1080 with leucine.
Molecular consequence: missense variant.
Genome position (GRCh38, 1-based): chr2:237,374,851, G>C on the plus strand (C>G on the coding strand, the complement: COL6A3 is on the minus strand). VCF-style: chr2-237374851-G-C. GRCh37 (hg19) VCF-style: chr2-238283494-G-C.
Other names: c.2019C>G, p.Phe673Leu (NM_057164.5); c.2622C>G, p.Phe874Leu (NM_057165.5, NM_057167.4); c.1419C>G, p.Phe473Leu (NM_057166.5); short protein forms F473L, F673L, F1080L, F874L.
Identifiers: ClinVar variation 3711962 (VCV003711962.2).
Genomic context (GRCh38, chr2:237,374,851, plus strand): 5'-CAGGGTCAGCTGGCGGACAGCGTTGACGACGTCCTGCTTGTTCATGTATGAATTCAGGTA[G>C]AACTCGGGCCTGGTCCGGTCGCTGTACTGCACCACGGCCACGCGGACCCGGTCCTGGCCC-3'
Protein context (NP_004360.2, residues 1070-1090): VQYSDRTRPE[Phe1080Leu]YLNSYMNKQD